The following is an entry in ClinVar:

ClinVar aggregate classification (germline): Likely pathogenic. Review status: criteria provided, multiple submitters, no conflicts (2 of 4 stars). 2 submissions from 2 submitters: Likely pathogenic (2). Last evaluated 2024-04-16.

Conditions:
Fanconi anemia (FA). Also called: Fanconi's anemia. Identifiers: Orphanet 84, MedGen C0015625, MeSH D005199, MONDO:0019391.
Fanconi anemia complementation group A (FANCA). Also called: FANCA-Related Fanconi Anemia; Fanconi anemia, group A. Identifiers: Orphanet 84, MedGen C3469521, MONDO:0009215, OMIM 227650.

Submissions (2):

Labcorp Genetics (formerly Invitae), Labcorp
Classification: Likely pathogenic for Fanconi anemia. Last evaluated: 2024-04-16. Review status: criteria provided, single submitter. Criteria: Invitae Variant Classification Sherloc (09022015). Collection method: clinical testing. Allele origin: germline.
Comment: This sequence change affects a donor splice site in intron 4 of the FANCA gene. It is expected to disrupt RNA splicing. Variants that disrupt the donor or acceptor splice site typically lead to a loss of protein function (PMID: 16199547), and loss-of-function variants in FANCA are known to be pathogenic (PMID: 19367192). This variant is not present in population databases (gnomAD no frequency). Disruption of this splice site has been observed in individual(s) with Fanconi anemia (PMID: 29098741). ClinVar contains an entry for this variant (Variation ID: 1972071). Algorithms developed to predict the effect of sequence changes on RNA splicing suggest that this variant may disrupt the consensus splice site. In summary, the currently available evidence indicates that the variant is pathogenic, but additional data are needed to prove that conclusively. Therefore, this variant has been classified as Likely Pathogenic.

Fulgent Genetics
Classification: Likely pathogenic for Fanconi anemia complementation group A. Last evaluated: 2024-03-10. Review status: criteria provided, single submitter. Criteria: ACMG Guidelines, 2015. Collection method: clinical testing. Allele origin: germline.

Literature cited by the submitters: PubMed 16199547 (cited by Labcorp Genetics (formerly Invitae), Labcorp); PubMed 19367192 (cited by Labcorp Genetics (formerly Invitae), Labcorp); PubMed 29098741 (cited by Labcorp Genetics (formerly Invitae), Labcorp).

NM_000135.4(FANCA):c.426+2T>C

Gene: FANCA (FA complementation group A; minus strand). Cytogenetic location: 16q24.3.
Variant type: single nucleotide variant.
Coding change: c.426+2T>C on transcript NM_000135.4 (MANE Select); the canonical splice donor site of the intron after coding-DNA position 426, T replaced by C.
Molecular consequence: splice donor variant.
Genome position (GRCh38, 1-based): chr16:89,810,927, A>G on the plus strand (T>C on the coding strand, the complement: FANCA is on the minus strand). VCF-style: chr16-89810927-A-G. GRCh37 (hg19) VCF-style: chr16-89877335-A-G.
Other names: c.426+2T>C (NM_001286167.3, NM_001351830.2, NM_001018112.3).
Identifiers: ClinVar variation 1972071 (VCV001972071.6), dbSNP rs1598190568, ClinGen allele CA397480847.